The following is an entry in ClinVar:

ClinVar aggregate classification (germline): Pathogenic. Review status: criteria provided, multiple submitters, no conflicts (2 of 4 stars). 4 submissions from 4 submitters: Pathogenic (4). Last evaluated 2026-07-03.

Conditions:
PKD1-related disorder. Also called: PKD1-related condition.
Polycystic kidney disease, adult type (PKD1). Also called: Polycystic Kidney Disease 1, Autosomal Dominant; Polycystic kidney disease 1; Polycystic kidney disease 1, severe; Polycystic Kidney, Autosomal Dominant; POLYCYSTIC KIDNEY DISEASE, ADULT, TYPE I; POLYCYSTIC KIDNEY DISEASE 1 WITH OR WITHOUT POLYCYSTIC LIVER DISEASE. Identifiers: MedGen C3149841, MONDO:0008263, OMIM 173900.

Submissions (4):

PreventionGenetics, part of Exact Sciences
Classification: Pathogenic for PKD1-related condition. Last evaluated: 2026-07-03. Review status: criteria provided, single submitter. Criteria: ACMG Guidelines, 2015. Collection method: clinical testing. Allele origin: germline.
Comment: The PKD1 c.74dupG variant is predicted to result in a frameshift and premature protein termination (p.Gly27Argfs*87). This variant has been reported in multiple individuals with autosomal dominant polycystic kidney disease (Neumann et al. 2013. PubMed ID: 23300259; He et al. 2018. PubMed ID: 30333007; Supplementary Table S1, Yan et al. 2022. PubMed ID: 36186434). This variant has not been reported in a large population database (gnomAD); however, the coverage of this variant should be interpreted with caution. Frameshift variants in PKD1 are expected to be pathogenic. This variant is interpreted as pathogenic.

Victorian Clinical Genetics Services, Murdoch Childrens Research Institute
Classification: Pathogenic for Polycystic kidney disease, adult type. Last evaluated: 2025-07-28. Review status: criteria provided, single submitter. Criteria: ACMG Guidelines, 2015. Collection method: clinical testing. Allele origin: germline. Affected: yes.
Comment: This variant is classified as Pathogenic. Evidence in support of pathogenic classification: Variant is predicted to cause nonsense-mediated decay (NMD) and loss of protein (premature termination codon is located at least 54 nucleotides upstream of the final exon-exon junction); Variant is absent from gnomAD (v2, v3 and v4); Other NMD-predicted variant(s) comparable to the one identified in this case have very strong previous evidence for pathogenicity (DECIPHER). Additional information: This variant is heterozygous; This gene is associated with autosomal dominant disease. Polycystic kidney disease 1 (MIM#173900) is predominantly caused by monoallelic variants, with rare reports of biallelic variants causing disease (OMIM); Loss of function is a known mechanism of disease in this gene and is associated with polycystic kidney disease 1 (MIM#173900); Inheritance information for this variant is not currently available in this individual.

Fulgent Genetics
Classification: Pathogenic for Polycystic kidney disease, adult type. Last evaluated: 2024-04-04. Review status: criteria provided, single submitter. Criteria: ACMG Guidelines, 2015. Collection method: clinical testing. Allele origin: germline.

Illumina Laboratory Services, Illumina
Classification: Pathogenic for Polycystic kidney disease, adult type. Last evaluated: 2024-02-08. Review status: criteria provided, single submitter. Criteria: ICSLVariantClassificationCriteria RUGD 01 April 2020. Collection method: clinical testing. Allele origin: unknown.
Comment: The PKD1 c.74dup p.(Gly27ArgfsTer87) variant causes a shift in the protein reading frame that is predicted to result in premature termination of the protein. Loss of normal protein function through either protein truncation or nonsense-mediated mRNA decay is expected. To our knowledge, this variant has not been reported in the peer-reviewed literature. This variant is not observed in version 2.1.1 or version 4.0.0 of the Genome Aggregation Database. This variant has been shown to segregate with disease in this family. Based on the available evidence, this variant is classified as pathogenic for autosomal dominant polycystic kidney disease.

NM_001009944.3(PKD1):c.74dup (p.Gly27fs)

Gene: PKD1 (polycystin 1, transient receptor potential channel interacting; minus strand). Cytogenetic location: 16p13.3.
Variant type: Duplication.
Coding change: c.74dup on transcript NM_001009944.3 (MANE Select); coding-DNA position 74, one base duplicated (G; older notation c.74dupG).
Protein change: p.Gly27fs; shifts the reading frame from glycine 27.
Molecular consequence: frameshift variant.
Genome position (GRCh38, 1-based): chr16:2,135,616, C duplicated on the plus strand (G on the coding strand, the reverse complement: PKD1 is on the minus strand); the first of 6 consecutive C bases (chr16:2,135,616-2,135,621); duplicating any one gives the same sequence. VCF-style (leftmost placement, unchanged base first): chr16-2135615-G-GC. GRCh37 (hg19) VCF-style: chr16-2185616-G-GC.
Other names: c.74dupG (NM_001009944.2); c.74dup, p.Gly27fs (NM_000296.4); short protein forms G27fs.
Identifiers: ClinVar variation 3579861 (VCV003579861.5).